The following is an entry in ClinVar:

ClinVar aggregate classification (germline): Pathogenic (1 of 4 stars; one submission).

Conditions:
Pyridoxine-dependent epilepsy (EPEO4). Also called: Pyridoxine-Dependent Seizures; Pyridoxine-Dependent Epilepsy - ALDH7A1; PYRIDOXINE DEPENDENCY WITH SEIZURES; EPILEPSY, EARLY-ONSET, 4, VITAMIN B6-DEPENDENT. Identifiers: Orphanet 3006, MedGen C1849508, MONDO:0009945, OMIM 266100. Disease mechanism: loss of function.

Submission:

Labcorp Genetics (formerly Invitae), Labcorp
Classification: Pathogenic for Pyridoxine-dependent epilepsy. Last evaluated: 2022-02-20. Review status: criteria provided, single submitter. Criteria: Invitae Variant Classification Sherloc (09022015). Collection method: clinical testing. Allele origin: germline.
Comment: This sequence change affects a donor splice site in intron 4 of the ALDH7A1 gene. It is expected to disrupt RNA splicing. Variants that disrupt the donor or acceptor splice site typically lead to a loss of protein function (PMID: 16199547), and loss-of-function variants in ALDH7A1 are known to be pathogenic (PMID: 16491085, 20554659). This variant is not present in population databases (gnomAD no frequency). Disruption of this splice site has been observed in individual(s) with pyridoxine-dependent epilepsy (PMID: 28131559). Algorithms developed to predict the effect of sequence changes on RNA splicing suggest that this variant may disrupt the consensus splice site. For these reasons, this variant has been classified as Pathogenic.

Literature cited by the submitters: PubMed 16199547; PubMed 16491085; PubMed 20554659; PubMed 28131559.

NM_001182.5(ALDH7A1):c.393+2T>G

Gene: ALDH7A1 (aldehyde dehydrogenase 7 family member A1; minus strand). Cytogenetic location: 5q23.2.
Variant type: single nucleotide variant.
Coding change: c.393+2T>G on transcript NM_001182.5 (MANE Select); the canonical splice donor site of the intron after coding-DNA position 393, T replaced by G.
Molecular consequence: splice donor variant.
Genome position (GRCh38, 1-based): chr5:126,583,930, A>C on the plus strand (T>G on the coding strand, the complement: ALDH7A1 is on the minus strand). VCF-style: chr5-126583930-A-C. GRCh37 (hg19) VCF-style: chr5-125919622-A-C.
Other names: c.393+2T>G (NM_001202404.2); c.309+2T>G (NM_001201377.2).
Identifiers: ClinVar variation 2099875 (VCV002099875.4), dbSNP rs2480341475, ClinGen allele CA360731972.